The following is an entry in ClinVar:

ClinVar aggregate classification (germline): Uncertain significance (1 of 4 stars; one submission).

Submission:

Labcorp Genetics (formerly Invitae), Labcorp
Classification: Uncertain significance. Last evaluated: 2022-03-18. Review status: criteria provided, single submitter. Criteria: Invitae Variant Classification Sherloc (09022015). Collection method: clinical testing. Allele origin: germline.
Comment: This sequence change replaces methionine, which is neutral and non-polar, with isoleucine, which is neutral and non-polar, at codon 192 of the A2ML1 protein (p.Met192Ile). This variant is not present in population databases (gnomAD no frequency). This variant has not been reported in the literature in individuals affected with A2ML1-related conditions. Algorithms developed to predict the effect of missense changes on protein structure and function (SIFT, PolyPhen-2, Align-GVGD) all suggest that this variant is likely to be tolerated. In summary, the available evidence is currently insufficient to determine the role of this variant in disease. Therefore, it has been classified as a Variant of Uncertain Significance.

NM_144670.6(A2ML1):c.576G>C (p.Met192Ile)

Gene: A2ML1 (alpha-2-macroglobulin like 1; plus strand). Cytogenetic location: 12p13.31.
Variant type: single nucleotide variant.
Coding change: c.576G>C on transcript NM_144670.6 (MANE Select); coding-DNA position 576, G replaced by C.
Protein change: p.Met192Ile; replaces methionine 192 with isoleucine.
Molecular consequence: missense variant.
Genome position (GRCh38, 1-based): chr12:8,835,599, G>C. VCF-style: chr12-8835599-G-C. GRCh37 (hg19) VCF-style: chr12-8988195-G-C.
Other names: short protein forms M192I.
Identifiers: ClinVar variation 1515743 (VCV001515743.6), dbSNP rs2136761632, ClinGen allele CA383821431.